The following is an entry in ClinVar:

ClinVar aggregate classification (germline): Pathogenic (1 of 4 stars; one submission).

Conditions:
Marfan syndrome (MFS). Also called: MARFAN SYNDROME, TYPE I; Marfan syndrome type 1; Marfan's syndrome; Marfan syndrome, classic; FBN1-Related Marfan Syndrome. Identifiers: Orphanet 284963, Orphanet 558, MedGen C0024796, MONDO:0007947, OMIM 154700.
Familial thoracic aortic aneurysm and aortic dissection (TAAD). Also called: Thoracic aortic aneurysms and dissections. Identifiers: Orphanet 91387, MedGen C4707243, MONDO:0019625.

Submission:

Labcorp Genetics (formerly Invitae), Labcorp
Classification: Pathogenic for Marfan syndrome; Familial thoracic aortic aneurysm and aortic dissection. Last evaluated: 2023-08-03. Review status: criteria provided, single submitter. Criteria: Invitae Variant Classification Sherloc (09022015). Collection method: clinical testing. Allele origin: unknown.
Comment: For these reasons, this variant has been classified as Pathogenic. This variant affects a cysteine residue in the EGF-like, TGFBP or hybrid motif domains of FBN1. Cysteine residues are believed to be involved in intramolecular disulfide bridges and have been shown to be important for FBN1 protein structure (PMID: 16905551, 19349279). In addition, missense substitutions affecting cysteine residues within these domains are significantly overrepresented among patients with Marfan syndrome (PMID: 16571647, 17701892). This variant has not been reported in the literature in individuals affected with FBN1-related conditions. This variant results in the deletion of part of exon 17 (c.2027_2113+2281del) of the FBN1 gene. It is expected to disrupt RNA splicing. Variants that disrupt the donor or acceptor splice site typically lead to a loss of protein function (PMID: 16199547), and loss-of-function variants in FBN1 are known to be pathogenic (PMID: 17657824, 19293843).

Literature cited by the submitters: PubMed 16905551; PubMed 19349279; PubMed 16571647; PubMed 17701892; PubMed 16199547; PubMed 17657824; PubMed 19293843.

NC_000015.9:g.(?_48793703)_(48796070_?)del

Gene: FBN1 (fibrillin 1; minus strand). Cytogenetic location: 15q21.1.
Variant type: Deletion.
Identifiers: ClinVar variation 3243734 (VCV003243734.1).